The following is an entry in ClinVar:

NM_004279.3(PMPCB):c.736+6T>G

Gene: PMPCB (peptidase, mitochondrial processing subunit beta; plus strand). Cytogenetic location: 7q22.1.
Variant type: single nucleotide variant.
Coding change: c.736+6T>G on transcript NM_004279.3 (MANE Select); 6 bases into the intron after coding-DNA position 736, T replaced by G.
Molecular consequence: intron variant.
Genome position (GRCh38, 1-based): chr7:103,304,496, T>G. VCF-style: chr7-103304496-T-G. GRCh37 (hg19) VCF-style: chr7-102944943-T-G.
Other names: c.736+6T>G (NM_001438231.1).
Identifiers: ClinVar variation 4846896 (VCV004846896.1).

ClinVar aggregate classification (germline): Uncertain significance (1 of 4 stars; one submission).

Conditions:
Multiple mitochondrial dysfunctions syndrome 6. Identifiers: Orphanet 569290, MedGen C4693741, MONDO:0054785, OMIM 617954.

Submission:

Laboratorio de Genetica e Diagnostico Molecular, Hospital Israelita Albert Einstein
Classification: Uncertain significance for Multiple mitochondrial dysfunctions syndrome 6. Last evaluated: 2025-10-27. Review status: criteria provided, single submitter. Criteria: ACMG Guidelines, 2015. Collection method: clinical testing. Allele origin: germline. Affected: yes.
Comment: ACMG classification criteria: PM2 supporting, PP3 supporting